The following is an entry in ClinVar:

ClinVar aggregate classification (germline): Uncertain significance (1 of 4 stars; one submission).

Allele frequency attached by ClinVar (database versions not stated): TOPMed 0.00003.
gnomAD v4.1: 252 of 1,614,100 alleles (0.016%); highest among the groups gnomAD compares: Non-Finnish European, 0.021%; no homozygotes.

Submission:

Centre of Medical Genetics, University Hospital Muenster
Classification: Uncertain significance. Last evaluated: 2021-12-15. Review status: criteria provided, single submitter. Criteria: ACMG Guidelines, 2015. Collection method: clinical testing. Allele origin: unknown. Affected: yes. Observed: 1 variant allele, 1 heterozygote.
Comment: ACMG categories: PM2,PP3

NM_001256071.3(RNF213):c.10822G>T (p.Ala3608Ser)

Genes: RNF213-AS1 (RNF213 antisense RNA 1; minus strand), RNF213 (ring finger protein 213; plus strand). Cytogenetic location: 17q25.3.
Variant type: single nucleotide variant.
Coding change: c.10822G>T on transcript NM_001256071.3 (MANE Select); coding-DNA position 10822, G replaced by T.
Protein change: p.Ala3608Ser; replaces alanine 3608 with serine.
Molecular consequence: missense variant. On other transcripts: non-coding transcript variant (1).
Genome position (GRCh38, 1-based): chr17:80,354,536, G>T. VCF-style: chr17-80354536-G-T. GRCh37 (hg19) VCF-style: chr17-78328336-G-T.
Other names: c.10969G>T, p.Ala3657Ser (NM_001410195.1, NM_020914.5); short protein forms A3608S, A3657S.
Identifiers: ClinVar variation 1708286 (VCV001708286.2), dbSNP rs201402653, ClinGen allele CA294917819.